The following is an entry in ClinVar:

ClinVar aggregate classification (germline): Uncertain significance. Review status: criteria provided, multiple submitters, no conflicts (2 of 4 stars). 2 submissions from 2 submitters: Uncertain significance (2). Last evaluated 2025-04-02.

Conditions:
Inborn genetic diseases. Identifiers: MedGen C0950123, MeSH D030342.

gnomAD v4.1: 23 of 1,598,718 alleles (0.0014%); highest among the groups gnomAD compares: Non-Finnish European, 0.0018%; no homozygotes.

Submissions (2):

Labcorp Genetics (formerly Invitae), Labcorp
Classification: Uncertain significance. Last evaluated: 2025-04-02. Review status: criteria provided, single submitter. Criteria: Invitae Variant Classification Sherloc (09022015). Collection method: clinical testing. Allele origin: germline.
Comment: This sequence change replaces valine, which is neutral and non-polar, with methionine, which is neutral and non-polar, at codon 550 of the ERCC6L2 protein (p.Val550Met). This variant is present in population databases (rs200688685, gnomAD 0.004%). This variant has not been reported in the literature in individuals affected with ERCC6L2-related conditions. Experimental studies and prediction algorithms are not available or were not evaluated, and the functional significance of this variant is currently unknown. In summary, the available evidence is currently insufficient to determine the role of this variant in disease. Therefore, it has been classified as a Variant of Uncertain Significance.

Ambry Genetics
Classification: Uncertain significance for Inborn genetic diseases. Last evaluated: 2024-12-20. Review status: criteria provided, single submitter. Criteria: Ambry Variant Classification Scheme 2023. Collection method: clinical testing. Allele origin: germline.
Comment: The p.V539M variant (also known as c.1615G>A), located in coding exon 11 of the ERCC6L2 gene, results from a G to A substitution at nucleotide position 1615. The valine at codon 539 is replaced by methionine, an amino acid with highly similar properties. This amino acid position is conserved. In addition, the in silico prediction for this alteration is inconclusive. Based on the available evidence, the clinical significance of this variant remains unclear.

NM_020207.7(ERCC6L2):c.1615G>A (p.Val539Met)

Gene: ERCC6L2 (ERCC excision repair 6 like 2; plus strand). Cytogenetic location: 9q22.32.
Variant type: single nucleotide variant.
Coding change: c.1615G>A on transcript NM_020207.7 (MANE Select); coding-DNA position 1615, G replaced by A.
Protein change: p.Val539Met; replaces valine 539 with methionine.
Molecular consequence: missense variant. On other transcripts: non-coding transcript variant (1).
Genome position (GRCh38, 1-based): chr9:95,928,728, G>A. VCF-style: chr9-95928728-G-A. GRCh37 (hg19) VCF-style: chr9-98691010-G-A.
Other names: c.1615G>A, p.Val539Met (NM_001010895.4, NM_001375291.1, NM_001375292.1 and 2 more transcripts); short protein forms V539M.
Identifiers: ClinVar variation 3845815 (VCV003845815.2).
Genomic context (GRCh38, chr9:95,928,728, plus strand): 5'-AACTTACTTAACCAAGATTCATGTTTGCCCATCTTCATACCTCTCGTCTAGTTGCTTGAC[G>A]TGCTACAGCAGTACTGTATGGCGTCTGGGCTTGATTACCGACGACTTGATGGAAGTACAA-3'
Protein context (NP_064592.3, residues 529-549): LFSFSTKLLD[Val539Met]LQQYCMASGL